The following is an entry in ClinVar:

NM_001963.6(EGF):c.1946T>C (p.Ile649Thr)

Gene: EGF (epidermal growth factor; plus strand). Cytogenetic location: 4q25.
Variant type: single nucleotide variant.
Coding change: c.1946T>C on transcript NM_001963.6 (MANE Select); coding-DNA position 1946, T replaced by C.
Protein change: p.Ile649Thr; replaces isoleucine 649 with threonine.
Molecular consequence: missense variant.
Genome position (GRCh38, 1-based): chr4:109,976,128, T>C. VCF-style: chr4-109976128-T-C. GRCh37 (hg19) VCF-style: chr4-110897284-T-C.
Other names: c.1946T>C, p.Ile649Thr (NM_001178130.3); c.1820T>C, p.Ile607Thr (NM_001178131.3, NM_001357021.2); short protein forms I607T, I649T.
Identifiers: ClinVar variation 4699669 (VCV004699669.1).

ClinVar aggregate classification (germline): Uncertain significance (1 of 4 stars; one submission).

gnomAD v4.1: 7 of 1,614,196 alleles (0.00043%); highest among the groups gnomAD compares: Non-Finnish European, 0.00051%; no homozygotes.

Submission:

Labcorp Genetics (formerly Invitae), Labcorp
Classification: Uncertain significance. Last evaluated: 2025-05-31. Review status: criteria provided, single submitter. Criteria: Invitae Variant Classification Sherloc (09022015). Collection method: clinical testing. Allele origin: germline.
Comment: This sequence change replaces isoleucine, which is neutral and non-polar, with threonine, which is neutral and polar, at codon 649 of the EGF protein (p.Ile649Thr). This variant is present in population databases (no rsID available, gnomAD 0.004%). This variant has not been reported in the literature in individuals affected with EGF-related conditions. An algorithm developed to predict the effect of missense changes on protein structure and function (PolyPhen-2) suggests that this variant is likely to be disruptive. In summary, the available evidence is currently insufficient to determine the role of this variant in disease. Therefore, it has been classified as a Variant of Uncertain Significance.